The following is an entry in ClinVar:

ClinVar aggregate classification (germline): Uncertain significance. Review status: criteria provided, multiple submitters, no conflicts (2 of 4 stars). 2 submissions from 2 submitters: Uncertain significance (2). Last evaluated 2024-06-04.

Conditions:
Epileptic encephalopathy. Identifiers: MedGen C0543888, HP:0200134.

Allele frequency attached by ClinVar (database versions not stated): gnomAD 0.00001.
gnomAD v4.1: 7 of 1,612,698 alleles (0.00043%); highest among the groups gnomAD compares: African/African-American, 0.008%; no homozygotes.

Submissions (2):

Labcorp Genetics (formerly Invitae), Labcorp
Classification: Uncertain significance for Epileptic encephalopathy. Last evaluated: 2024-06-04. Review status: criteria provided, single submitter. Criteria: Invitae Variant Classification Sherloc (09022015). Collection method: clinical testing. Allele origin: germline.
Comment: This sequence change replaces arginine, which is basic and polar, with leucine, which is neutral and non-polar, at codon 676 of the FASN protein (p.Arg676Leu). This variant is present in population databases (no rsID available, gnomAD 0.01%). This variant has not been reported in the literature in individuals affected with FASN-related conditions. ClinVar contains an entry for this variant (Variation ID: 2529135). An algorithm developed to predict the effect of missense changes on protein structure and function (PolyPhen-2) suggests that this variant is likely to be tolerated. In summary, the available evidence is currently insufficient to determine the role of this variant in disease. Therefore, it has been classified as a Variant of Uncertain Significance.

Ambry Genetics
Classification: Uncertain significance. Last evaluated: 2023-03-24. Review status: criteria provided, single submitter. Criteria: Ambry Variant Classification Scheme 2023. Collection method: clinical testing. Allele origin: germline.

NM_004104.5(FASN):c.2027G>T (p.Arg676Leu)

Gene: FASN (fatty acid synthase; minus strand). Cytogenetic location: 17q25.3.
Variant type: single nucleotide variant.
Coding change: c.2027G>T on transcript NM_004104.5 (MANE Select); coding-DNA position 2027, G replaced by T.
Protein change: p.Arg676Leu; replaces arginine 676 with leucine.
Molecular consequence: missense variant.
Genome position (GRCh38, 1-based): chr17:82,089,323, C>A on the plus strand (G>T on the coding strand, the complement: FASN is on the minus strand). VCF-style: chr17-82089323-C-A. GRCh37 (hg19) VCF-style: chr17-80047199-C-A.
Other names: short protein forms R676L.
Identifiers: ClinVar variation 2529135 (VCV002529135.4), dbSNP rs867637370, ClinGen allele CA295135072.